The following is an entry in ClinVar:

ClinVar aggregate classification (germline): Uncertain significance (1 of 4 stars; one submission).

gnomAD v4.1: 2 of 1,613,292 alleles (0.00012%); highest among the groups gnomAD compares: Non-Finnish European, 0.00017%; no homozygotes.

Submission:

Women's Health and Genetics/Laboratory Corporation of America, LabCorp
Classification: Uncertain significance. Last evaluated: 2025-12-29. Review status: criteria provided, single submitter. Criteria: LabCorp Variant Classification Summary - May 2015. Collection method: clinical testing. Allele origin: germline.
Comment: Variant summary: TCF20 c.5252T>A (p.Val1751Glu) results in a non-conservative amino acid change in the encoded protein sequence. Algorithms developed to predict the effect of missense changes on protein structure and function are either unavailable or do not agree on the potential impact of this missense change. The variant allele was found at a frequency of 4e-06 in 250340 control chromosomes. The available data on variant occurrences in the general population are insufficient to allow any conclusion about variant significance. To our knowledge, no occurrence of c.5252T>A in individuals affected with TCF20-related conditions and no experimental evidence demonstrating its impact on protein function have been reported. No submitters have cited clinical-significance assessments for this variant to ClinVar. Based on the evidence outlined above, the variant was classified as uncertain significance.

NM_001378418.1(TCF20):c.5252T>A (p.Val1751Glu)

Gene: TCF20 (transcription factor 20; minus strand). Cytogenetic location: 22q13.2.
Variant type: single nucleotide variant.
Coding change: c.5252T>A on transcript NM_001378418.1 (MANE Select); coding-DNA position 5252, T replaced by A.
Protein change: p.Val1751Glu; replaces valine 1751 with glutamic acid.
Molecular consequence: missense variant.
Genome position (GRCh38, 1-based): chr22:42,210,054, A>T on the plus strand (T>A on the coding strand, the complement: TCF20 is on the minus strand). VCF-style: chr22-42210054-A-T. GRCh37 (hg19) VCF-style: chr22-42606060-A-T.
Other names: c.5252T>A, p.Val1751Glu (NM_005650.4, NM_181492.3); short protein forms V1751E.
Identifiers: ClinVar variation 4688754 (VCV004688754.1).
Genomic context (GRCh38, chr22:42,210,054, plus strand): 5'-TGCTGCTCTTCCTCCTCCTCAGTGTCCGTCTTGGAGCCATTAGAAGCACTTTTGTGCCGT[A>T]CCTTAACTTTGCTCTGCATTTCTGTGGCCCTCTTAGGAGGTGGATTCTTCGGGAGAGTGG-3'
Protein context (NP_001365347.1, residues 1741-1761): RATEMQSKVK[Val1751Glu]RHKSASNGSK